The following is an entry in ClinVar:

ClinVar aggregate classification (germline): Uncertain significance (1 of 4 stars; one submission).

Conditions:
ALG6-congenital disorder of glycosylation 1C (CDG1C). Also called: Congenital disorder of glycosylation type 1C; CARBOHYDRATE-DEFICIENT GLYCOPROTEIN SYNDROME, TYPE I, WITH DEFICIENT GLYCOSYLATION OF DOLICHOL-LINKED OLIGOSACCHARIDE; CARBOHYDRATE-DEFICIENT GLYCOPROTEIN SYNDROME, TYPE V; Congenital disorder of glycosylation, type Ic; CDG Ic. Identifiers: Orphanet 79320, MedGen C2930997, MONDO:0011291, OMIM 603147.

Allele frequency attached by ClinVar (database versions not stated): gnomAD exomes below 0.00001; ExAC 0.00001.

Submission:

Labcorp Genetics (formerly Invitae), Labcorp
Classification: Uncertain significance for ALG6-congenital disorder of glycosylation 1C. Last evaluated: 2022-07-12. Review status: criteria provided, single submitter. Criteria: Invitae Variant Classification Sherloc (09022015). Collection method: clinical testing. Allele origin: germline.
Comment: In summary, the available evidence is currently insufficient to determine the role of this variant in disease. Therefore, it has been classified as a Variant of Uncertain Significance. Algorithms developed to predict the effect of missense changes on protein structure and function (SIFT, PolyPhen-2, Align-GVGD) all suggest that this variant is likely to be disruptive. ClinVar contains an entry for this variant (Variation ID: 1388951). This variant has not been reported in the literature in individuals affected with ALG6-related conditions. This variant is present in population databases (rs773292757, gnomAD 0.0009%). This sequence change replaces threonine, which is neutral and polar, with isoleucine, which is neutral and non-polar, at codon 76 of the ALG6 protein (p.Thr76Ile).

NM_013339.4(ALG6):c.227C>T (p.Thr76Ile)

Gene: ALG6 (ALG6 alpha-1,3-glucosyltransferase; plus strand). Cytogenetic location: 1p31.3.
Variant type: single nucleotide variant.
Coding change: c.227C>T on transcript NM_013339.4 (MANE Select); coding-DNA position 227, C replaced by T.
Protein change: p.Thr76Ile; replaces threonine 76 with isoleucine.
Molecular consequence: missense variant.
Genome position (GRCh38, 1-based): chr1:63,402,313, C>T. VCF-style: chr1-63402313-C-T. GRCh37 (hg19) VCF-style: chr1-63867984-C-T.
Other names: short protein forms T76I.
Identifiers: ClinVar variation 1388951 (VCV001388951.8), dbSNP rs773292757, ClinGen allele CA888102.